The following is an entry in ClinVar:

NM_004260.4(RECQL4):c.3263G>C (p.Cys1088Ser)

Gene: RECQL4 (RecQ like helicase 4; minus strand). Cytogenetic location: 8q24.3.
Variant type: single nucleotide variant.
Coding change: c.3263G>C on transcript NM_004260.4 (MANE Select); coding-DNA position 3263, G replaced by C.
Protein change: p.Cys1088Ser; replaces cysteine 1088 with serine.
Molecular consequence: missense variant.
Genome position (GRCh38, 1-based): chr8:144,512,041, C>G on the plus strand (G>C on the coding strand, the complement: RECQL4 is on the minus strand). VCF-style: chr8-144512041-C-G. GRCh37 (hg19) VCF-style: chr8-145737424-C-G.
Other names: short protein forms C1088S.
Identifiers: ClinVar variation 1007555 (VCV001007555.5), dbSNP rs780200030, ClinGen allele CA4947837.

ClinVar aggregate classification (germline): Uncertain significance (1 of 4 stars; one submission).

Conditions:
Baller-Gerold syndrome (BGS). Also called: CRANIOSYNOSTOSIS WITH RADIAL DEFECTS. Identifiers: Orphanet 1225, MedGen C0265308, MONDO:0009039, OMIM 218600.

Allele frequency attached by ClinVar (database versions not stated): ExAC 0.00001; TOPMed 0.00001.
gnomAD v4.1: 2 of 1,608,374 alleles (0.00012%); highest among the groups gnomAD compares: Non-Finnish European, 0.00017%; no homozygotes.

Submission:

Labcorp Genetics (formerly Invitae), Labcorp
Classification: Uncertain significance for Baller-Gerold syndrome. Last evaluated: 2023-06-13. Review status: criteria provided, single submitter. Criteria: Invitae Variant Classification Sherloc (09022015). Collection method: clinical testing. Allele origin: germline.
Comment: This sequence change replaces cysteine, which is neutral and slightly polar, with serine, which is neutral and polar, at codon 1088 of the RECQL4 protein (p.Cys1088Ser). This variant is present in population databases (rs780200030, gnomAD 0.007%). This variant has not been reported in the literature in individuals affected with RECQL4-related conditions. ClinVar contains an entry for this variant (Variation ID: 1007555). Advanced modeling of protein sequence and biophysical properties (such as structural, functional, and spatial information, amino acid conservation, physicochemical variation, residue mobility, and thermodynamic stability) has been performed at Invitae for this missense variant, however the output from this modeling did not meet the statistical confidence thresholds required to predict the impact of this variant on RECQL4 protein function. In summary, the available evidence is currently insufficient to determine the role of this variant in disease. Therefore, it has been classified as a Variant of Uncertain Significance.